The following is an entry in ClinVar:

NM_004409.5(DMPK):c.205G>A (p.Asp69Asn)

Gene: DMPK (DM1 protein kinase; minus strand). Cytogenetic location: 19q13.32.
Variant type: single nucleotide variant.
Coding change: c.205G>A on transcript NM_004409.5 (MANE Select); coding-DNA position 205, G replaced by A.
Protein change: p.Asp69Asn; replaces aspartic acid 69 with asparagine.
Molecular consequence: missense variant. On other transcripts: 5 prime UTR variant (1).
Genome position (GRCh38, 1-based): chr19:45,779,825, C>T on the plus strand (G>A on the coding strand, the complement: DMPK is on the minus strand). VCF-style: chr19-45779825-C-T. GRCh37 (hg19) VCF-style: chr19-46283083-C-T.
Other names: c.205G>A, p.Asp69Asn (NM_001081560.3, NM_001081562.3, NM_001288766.2 and 5 more transcripts); c.235G>A, p.Asp79Asn (NM_001081563.3); c.283G>A, p.Asp95Asn (NM_001288764.2, NM_001424163.1); c.-286G>A (NM_001424166.1); short protein forms D69N, D79N, D95N.
Identifiers: ClinVar variation 3043661 (VCV003043661.2), dbSNP rs140030942, ClinGen allele CA9521630.

ClinVar aggregate classification (germline): Benign (0 of 4 stars; one submission).

Conditions:
DMPK-related disorder. Also called: DMPK-related condition.

Allele frequency attached by ClinVar (database versions not stated): ExAC 0.00062; gnomAD 0.00139; TOPMed 0.00156; ESP Exome Variant Server 0.00192; 1000 Genomes Project 0.00260; 1000 Genomes Project 30x 0.00344.

Submission:

PreventionGenetics, part of Exact Sciences
Classification: Benign for DMPK-related condition. Last evaluated: 2019-06-21. Review status: no assertion criteria provided. Collection method: clinical testing. Allele origin: germline.
Comment: This variant is classified as benign based on ACMG/AMP sequence variant interpretation guidelines (Richards et al. 2015 PMID: 25741868, with internal and published modifications).